The following is an entry in ClinVar:

ClinVar aggregate classification (germline): Pathogenic (1 of 4 stars; one submission).

Conditions:
Zellweger spectrum disorders (ZS). Also called: Zellweger Spectrum Disorder; Zellweger Spectrum; Zellweger Spectrum Disorder (ZSD); Zellweger syndrome. Identifiers: Orphanet 912, MedGen C0043459, MONDO:0019609.

Submission:

Labcorp Genetics (formerly Invitae), Labcorp
Classification: Pathogenic for Zellweger spectrum disorders. Last evaluated: 2023-02-09. Review status: criteria provided, single submitter. Criteria: Invitae Variant Classification Sherloc (09022015). Collection method: clinical testing. Allele origin: unknown.
Comment: This variant is a gross deletion of the genomic region encompassing exon(s) 17 of the PEX1 gene. This deletion is out-of-frame, and is expected to create a premature termination codon and result in an absent or disrupted protein product. Loss-of-function variants in PEX1 are known to be pathogenic (PMID: 9398847, 16086329, 16141001, 21031596, 26387595, 31831025). This variant has not been reported in the literature in individuals affected with PEX1-related conditions. For these reasons, this variant has been classified as Pathogenic.

Literature cited by the submitters: PubMed 9398847; PubMed 16086329; PubMed 16141001; PubMed 21031596; PubMed 26387595; PubMed 31831025.

NC_000007.13:g.(?_92126007)_(92126111_?)del

Gene: PEX1 (peroxisomal biogenesis factor 1; minus strand). Cytogenetic location: 7q21.2.
Variant type: Deletion.
Identifiers: ClinVar variation 3245706 (VCV003245706.1).